The following is an entry in ClinVar:

ClinVar aggregate classification (germline): Uncertain significance. Review status: criteria provided, multiple submitters, no conflicts (2 of 4 stars). 2 submissions from 2 submitters: Uncertain significance (2). Last evaluated 2025-10-10.

Conditions:
Hereditary cancer-predisposing syndrome. Also called: Neoplastic Syndromes, Hereditary; Hereditary Cancer Syndrome; Hereditary neoplastic syndrome; Tumor predisposition. Identifiers: Orphanet 140162, MedGen C0027672, MeSH D009386, MONDO:0015356.
Cardiovascular phenotype. Identifiers: MedGen CN230736.

Submissions (2):

Labcorp Genetics (formerly Invitae), Labcorp
Classification: Uncertain significance. Last evaluated: 2025-10-10. Review status: criteria provided, single submitter. Criteria: Invitae Variant Classification Sherloc (09022015). Collection method: clinical testing. Allele origin: germline.
Comment: This sequence change replaces valine, which is neutral and non-polar, with alanine, which is neutral and non-polar, at codon 645 of the LZTR1 protein (p.Val645Ala). This variant is not present in population databases (gnomAD no frequency). This variant has not been reported in the literature in individuals affected with LZTR1-related conditions. ClinVar contains an entry for this variant (Variation ID: 1435471). Invitae Evidence Modeling of protein sequence and biophysical properties (such as structural, functional, and spatial information, amino acid conservation, physicochemical variation, residue mobility, and thermodynamic stability) indicates that this missense variant is not expected to disrupt LZTR1 protein function with a negative predictive value of 80%. In summary, the available evidence is currently insufficient to determine the role of this variant in disease. Therefore, it has been classified as a Variant of Uncertain Significance.

Ambry Genetics
Classification: Uncertain significance for Cardiovascular phenotype; Hereditary cancer-predisposing syndrome. Last evaluated: 2024-11-03. Review status: criteria provided, single submitter. Criteria: Ambry Variant Classification Scheme 2023. Collection method: clinical testing. Allele origin: germline.
Comment: The p.V645A variant (also known as c.1934T>C), located in coding exon 16 of the LZTR1 gene, results from a T to C substitution at nucleotide position 1934. The valine at codon 645 is replaced by alanine, an amino acid with similar properties. This amino acid position is well conserved in available vertebrate species. In addition, this alteration is predicted to be tolerated by in silico analysis. Since supporting evidence is limited at this time, the clinical significance of this alteration remains unclear.

NM_006767.4(LZTR1):c.1934T>C (p.Val645Ala)

Gene: LZTR1 (leucine zipper like post translational regulator 1; plus strand). Cytogenetic location: 22q11.21.
Variant type: single nucleotide variant.
Coding change: c.1934T>C on transcript NM_006767.4 (MANE Select); coding-DNA position 1934, T replaced by C.
Protein change: p.Val645Ala; replaces valine 645 with alanine.
Molecular consequence: missense variant.
Genome position (GRCh38, 1-based): chr22:20,995,018, T>C. VCF-style: chr22-20995018-T-C. GRCh37 (hg19) VCF-style: chr22-21349307-T-C.
Other names: short protein forms V645A.
Identifiers: ClinVar variation 1435471 (VCV001435471.11), dbSNP rs1190268151, ClinGen allele CA410778764.